The following is an entry in ClinVar:

ClinVar aggregate classification (germline): Uncertain significance (1 of 4 stars; one submission).

Conditions:
Hereditary spastic paraplegia 72 (SPG72A). Also called: Spastic paraplegia 72, autosomal recessive. Identifiers: Orphanet 401849, MedGen C5882669, MONDO:0014282, OMIM 615625.

Submission:

Labcorp Genetics (formerly Invitae), Labcorp
Classification: Uncertain significance for Hereditary spastic paraplegia 72. Last evaluated: 2022-05-10. Review status: criteria provided, single submitter. Criteria: Invitae Variant Classification Sherloc (09022015). Collection method: clinical testing. Allele origin: germline.
Comment: In summary, the available evidence is currently insufficient to determine the role of this variant in disease. Therefore, it has been classified as a Variant of Uncertain Significance. Algorithms developed to predict the effect of missense changes on protein structure and function are either unavailable or do not agree on the potential impact of this missense change (SIFT: "Deleterious"; PolyPhen-2: "Probably Damaging"; Align-GVGD: "Class C0"). This variant has not been reported in the literature in individuals affected with REEP2-related conditions. This variant is not present in population databases (gnomAD no frequency). This sequence change replaces isoleucine, which is neutral and non-polar, with methionine, which is neutral and non-polar, at codon 74 of the REEP2 protein (p.Ile74Met).

NM_001271803.2(REEP2):c.222A>G (p.Ile74Met)

Gene: REEP2 (receptor accessory protein 2; plus strand). Cytogenetic location: 5q31.2.
Variant type: single nucleotide variant.
Coding change: c.222A>G on transcript NM_001271803.2 (MANE Select); coding-DNA position 222, A replaced by G.
Protein change: p.Ile74Met; replaces isoleucine 74 with methionine.
Molecular consequence: missense variant. On other transcripts: non-coding transcript variant (2).
Genome position (GRCh38, 1-based): chr5:138,444,454, A>G. VCF-style: chr5-138444454-A-G. GRCh37 (hg19) VCF-style: chr5-137780143-A-G.
Other names: c.222A>G, p.Ile74Met (NM_016606.4); short protein forms I74M.
Identifiers: ClinVar variation 1992748 (VCV001992748.4), dbSNP rs749428565, ClinGen allele CA128192701.